The following is an entry in ClinVar:

NM_000238.4(KCNH2):c.1239C>T (p.Leu413=)

Gene: KCNH2 (potassium voltage-gated channel subfamily H member 2; minus strand). Cytogenetic location: 7q36.1.
Variant type: single nucleotide variant.
Coding change: c.1239C>T on transcript NM_000238.4 (MANE Select); coding-DNA position 1239, C replaced by T.
Protein change: p.Leu413=; no amino-acid change (leucine 413 retained).
Molecular consequence: synonymous variant. On other transcripts: non-coding transcript variant (2).
Genome position (GRCh38, 1-based): chr7:150,952,743, G>A on the plus strand (C>T on the coding strand, the complement: KCNH2 is on the minus strand). VCF-style: chr7-150952743-G-A. GRCh37 (hg19) VCF-style: chr7-150649831-G-A.
Other names: c.219C>T, p.Leu73= (NM_001204798.2, NM_172057.3); c.951C>T, p.Leu317= (NM_001406753.1, NM_001406756.1); c.1062C>T, p.Leu354= (NM_001406755.1); c.939C>T, p.Leu313= (NM_001406757.1); c.1239C>T, p.Leu413= (NM_172056.3).
Identifiers: ClinVar variation 2773451 (VCV002773451.4), dbSNP rs754334277, ClinGen allele CA027439.
Genomic context (GRCh38, chr7:150,952,743, plus strand): 5'-CAGCAGGAAGGCAGCCGAGTAGGGTGTGAAGACAGCCGTGTAGATGACCAGCAGCAGGAT[G>A]AGCCAGTCCCACACGGCCTTGAAGGGGCTGTAATGCAGGATGGTCCAGCGGTGGATGCGC-3'
Protein context (NP_000229.1, residues 403-423): YSPFKAVWDW[Leu413=]ILLLVIYTAV

ClinVar aggregate classification (germline): Likely benign. Review status: criteria provided, multiple submitters, no conflicts (2 of 4 stars). 3 submissions from 3 submitters: Likely benign (3). Last evaluated 2026-02-03.

Conditions:
Long QT syndrome (LQTS). Identifiers: MedGen C0023976, MeSH D008133, MONDO:0002442. Disease mechanism: loss of function. Inheritance: Various modes of inheritance.
Cardiac arrhythmia. Also called: Arrhythmia; Cardiac rhythm disease. Identifiers: MedGen C0003811, MONDO:0007263, HP:0011675.

Allele frequency attached by ClinVar (database versions not stated): TOPMed below 0.00001; gnomAD exomes 0.00001; ExAC 0.00002.
gnomAD v4.1: 12 of 1,613,982 alleles (0.00074%); highest among the groups gnomAD compares: East Asian, 0.013%; no homozygotes.

Submissions (3):

Labcorp Genetics (formerly Invitae), Labcorp
Classification: Likely benign for Long QT syndrome. Last evaluated: 2026-02-03. Review status: criteria provided, single submitter. Criteria: Invitae Variant Classification Sherloc (09022015). Collection method: clinical testing. Allele origin: germline.

All of Us Research Program, National Institutes of Health
Classification: Likely benign for Long QT syndrome. Last evaluated: 2023-11-30. Review status: criteria provided, single submitter. Criteria: ACMG Guidelines, 2015. Collection method: clinical testing. Allele origin: germline. Inheritance: Autosomal dominant inheritance. Observed: 2 variant alleles, 2 heterozygotes.
Comment: This study involves interpretation of variants in research participants for the purpose of population health screening. Participant phenotype was not available at the time of variant classification. Additional details can be found in publication PMID: 35346344, PMCID: PMC8962531

Color Diagnostics, LLC DBA Color Health
Classification: Likely benign for Cardiac arrhythmia. Last evaluated: 2021-10-12. Review status: criteria provided, single submitter. Criteria: ACMG Guidelines, 2015. Collection method: clinical testing. Allele origin: germline.